The following is an entry in ClinVar:

ClinVar aggregate classification (germline): Uncertain significance. Review status: criteria provided, multiple submitters, no conflicts (2 of 4 stars). 2 submissions from 2 submitters: Uncertain significance (2). Last evaluated 2025-12-08.

Conditions:
Inborn genetic diseases. Identifiers: MedGen C0950123, MeSH D030342.
Jeune thoracic dystrophy. Also called: Short-rib thoracic dysplasia; Jeune syndrome; Infantile thoracic dystrophy; Thoracic pelvic phalangeal dystrophy; Jeune's syndrome; Chondroectodermal dysplasia-like syndrome. Identifiers: Orphanet 474, MedGen C0265275, MONDO:0018770.

Allele frequency attached by ClinVar (database versions not stated): gnomAD exomes below 0.00001; TOPMed below 0.00001; ExAC 0.00001.
gnomAD v4.1: 3 of 1,613,704 alleles (0.00019%); highest among the groups gnomAD compares: Non-Finnish European, 0.00025%; no homozygotes.

Submissions (2):

Ambry Genetics
Classification: Uncertain significance for Inborn genetic diseases. Last evaluated: 2025-12-08. Review status: criteria provided, single submitter. Criteria: Ambry Variant Classification Scheme 2023. Collection method: clinical testing. Allele origin: germline.

Labcorp Genetics (formerly Invitae), Labcorp
Classification: Uncertain significance for Jeune thoracic dystrophy. Last evaluated: 2022-04-09. Review status: criteria provided, single submitter. Criteria: Invitae Variant Classification Sherloc (09022015). Collection method: clinical testing. Allele origin: germline.
Comment: This sequence change replaces tyrosine, which is neutral and polar, with cysteine, which is neutral and slightly polar, at codon 1318 of the DYNC2H1 protein (p.Tyr1318Cys). The frequency data for this variant in the population databases is considered unreliable, as metrics indicate poor data quality at this position in the gnomAD database. This variant has not been reported in the literature in individuals affected with DYNC2H1-related conditions. Advanced modeling of protein sequence and biophysical properties (such as structural, functional, and spatial information, amino acid conservation, physicochemical variation, residue mobility, and thermodynamic stability) performed at Invitae indicates that this missense variant is not expected to disrupt DYNC2H1 protein function. In summary, the available evidence is currently insufficient to determine the role of this variant in disease. Therefore, it has been classified as a Variant of Uncertain Significance.

NM_001377.3(DYNC2H1):c.3953A>G (p.Tyr1318Cys)

Gene: DYNC2H1 (dynein cytoplasmic 2 heavy chain 1; plus strand). Cytogenetic location: 11q22.3.
Variant type: single nucleotide variant.
Coding change: c.3953A>G on transcript NM_001377.3 (MANE Select); coding-DNA position 3953, A replaced by G.
Protein change: p.Tyr1318Cys; replaces tyrosine 1318 with cysteine.
Molecular consequence: missense variant.
Genome position (GRCh38, 1-based): chr11:103,156,596, A>G. VCF-style: chr11-103156596-A-G. GRCh37 (hg19) VCF-style: chr11-103027325-A-G.
Other names: c.3953A>G (NM_001080463.1); c.3953A>G, p.Tyr1318Cys (NM_001080463.2); short protein forms Y1318C.
Identifiers: ClinVar variation 2077010 (VCV002077010.2), dbSNP rs776466764, ClinGen allele CA6253439.